The following is an entry in ClinVar:

NM_023110.3(FGFR1):c.1775A>G (p.Glu592Gly)

Gene: FGFR1 (fibroblast growth factor receptor 1; minus strand). Cytogenetic location: 8p11.23.
Variant type: single nucleotide variant.
Coding change: c.1775A>G on transcript NM_023110.3 (MANE Select); coding-DNA position 1775, A replaced by G.
Protein change: p.Glu592Gly; replaces glutamic acid 592 with glycine.
Molecular consequence: missense variant.
Genome position (GRCh38, 1-based): chr8:38,415,949, T>C on the plus strand (A>G on the coding strand, the complement: FGFR1 is on the minus strand). VCF-style: chr8-38415949-T-C. GRCh37 (hg19) VCF-style: chr8-38273467-T-C.
Other names: c.1763A>G, p.Glu588Gly (NM_001410922.1, NM_001354369.2); c.1769A>G, p.Glu590Gly (NM_015850.4, NM_001174063.2, NM_001174065.2 and 1 more transcripts); c.1508A>G, p.Glu503Gly (NM_023105.3, NM_001174066.2); c.1502A>G, p.Glu501Gly (NM_023106.3, NM_001354370.2); c.1745A>G, p.Glu582Gly (NM_001174064.2); c.1868A>G, p.Glu623Gly (NM_001174067.2); c.1496A>G, p.Glu499Gly (NM_001354368.2); c.1775A>G, p.Glu592Gly (NM_000604.2); short protein forms E501G, E590G, E499G, E503G, E582G, E588G, E592G, E623G.
Identifiers: ClinVar variation 2931330 (VCV002931330.4), dbSNP rs751840290, ClinGen allele CA4718283.

ClinVar aggregate classification (germline): Uncertain significance. Review status: criteria provided, multiple submitters, no conflicts (2 of 4 stars). 2 submissions from 2 submitters: Uncertain significance (2). Last evaluated 2024-02-16.

Conditions:
Hypogonadotropic hypogonadism 2 with or without anosmia (HH2). Also called: HYPOGONADOTROPIC HYPOGONADISM 2 WITH OR WITHOUT ANOSMIA, SUSCEPTIBILITY TO; HYPOGONADOTROPIC HYPOGONADISM 2 WITHOUT ANOSMIA, SUSCEPTIBILITY TO; FGFR1-Related GnRH Deficiency (Kallmann Syndrome 2); HYPOGONADOTROPIC HYPOGONADISM 2 WITHOUT ANOSMIA. Identifiers: Orphanet 478, MedGen C1563720, MONDO:0007844, OMIM 147950. Disease mechanism: loss of function.
Jackson-Weiss syndrome (JWS). Also called: CRANIOSYNOSTOSIS, MIDFACIAL HYPOPLASIA, AND FOOT ABNORMALITIES. Identifiers: Orphanet 1540, MedGen C0795998, MONDO:0007400, OMIM 123150. Disease mechanism: loss of function.
Encephalocraniocutaneous lipomatosis (ECCL). Identifiers: Orphanet 2396, MedGen C0406612, MONDO:0013074, OMIM 613001.
Trigonocephaly 1 (TRIGNO1). Identifiers: Orphanet 3366, MedGen C0432122, MONDO:0008603, OMIM 190440.
Hartsfield-Bixler-Demyer syndrome (HRTFDS). Also called: Holoprosencephaly, ectrodactyly, and bilateral cleft lip/palate; Hartsfield syndrome; FGFR1-Related Hartsfield Syndrome. Identifiers: Orphanet 2117, MedGen C1845146, MONDO:0014196, OMIM 615465. Disease mechanism: loss of function.
Osteoglophonic dysplasia (OGD). Also called: Osteoglophonic dwarfism. Identifiers: Orphanet 2645, MedGen C0432283, MONDO:0008150, OMIM 166250.
Pfeiffer syndrome (ACS5). Also called: ACS V. Identifiers: Orphanet 710, MedGen C0220658, MONDO:0007043, OMIM 101600.

Allele frequency attached by ClinVar (database versions not stated): ExAC 0.00001; gnomAD exomes 0.00001.
gnomAD v4.1: 7 of 1,613,970 alleles (0.00043%); highest among the groups gnomAD compares: Admixed American, 0.0033%; no homozygotes.

Submissions (2):

Fulgent Genetics
Classification: Uncertain significance for Pfeiffer syndrome; Jackson-Weiss syndrome; Hypogonadotropic hypogonadism 2 with or without anosmia; Osteoglophonic dysplasia; Trigonocephaly 1; Encephalocraniocutaneous lipomatosis; Hartsfield-Bixler-Demyer syndrome. Last evaluated: 2024-02-16. Review status: criteria provided, single submitter. Criteria: ACMG Guidelines, 2015. Collection method: clinical testing. Allele origin: germline.

Labcorp Genetics (formerly Invitae), Labcorp
Classification: Uncertain significance for Pfeiffer syndrome; Hypogonadotropic hypogonadism 2 with or without anosmia. Last evaluated: 2023-06-17. Review status: criteria provided, single submitter. Criteria: Invitae Variant Classification Sherloc (09022015). Collection method: clinical testing. Allele origin: germline.
Comment: This sequence change replaces glutamic acid, which is acidic and polar, with glycine, which is neutral and non-polar, at codon 592 of the FGFR1 protein (p.Glu592Gly). This variant is present in population databases (rs751840290, gnomAD 0.0009%). This variant has not been reported in the literature in individuals affected with FGFR1-related conditions. Advanced modeling of protein sequence and biophysical properties (such as structural, functional, and spatial information, amino acid conservation, physicochemical variation, residue mobility, and thermodynamic stability) performed at Invitae indicates that this missense variant is not expected to disrupt FGFR1 protein function. In summary, the available evidence is currently insufficient to determine the role of this variant in disease. Therefore, it has been classified as a Variant of Uncertain Significance.